The following is an entry in ClinVar:

NM_001184.4(ATR):c.179A>C (p.Asp60Ala)

Gene: ATR (ATR checkpoint kinase; minus strand). Cytogenetic location: 3q23.
Variant type: single nucleotide variant.
Coding change: c.179A>C on transcript NM_001184.4 (MANE Select); coding-DNA position 179, A replaced by C.
Protein change: p.Asp60Ala; replaces aspartic acid 60 with alanine.
Molecular consequence: missense variant.
Genome position (GRCh38, 1-based): chr3:142,566,234, T>G on the plus strand (A>C on the coding strand, the complement: ATR is on the minus strand). VCF-style: chr3-142566234-T-G. GRCh37 (hg19) VCF-style: chr3-142285076-T-G.
Other names: c.179A>C, p.Asp60Ala (NM_001354579.2); short protein forms D60A.
Identifiers: ClinVar variation 2453591 (VCV002453591.2), dbSNP rs2108494503, ClinGen allele CA354828690.
Genomic context (GRCh38, chr3:142,566,234, plus strand): 5'-GGGGAGGATTTCATGATATGCTGGATGAAATCAAGCAACATCACGGAGGTTGGCTGAGAG[T>G]CAGTTTTCTTTACAAGTTCTACAGCAACTAAAACAATAAGATTCATTTTAAAGAGTCATG-3'
Protein context (NP_001175.2, residues 50-70): VVAVELVKKT[Asp60Ala]SQPTSVMLLD

ClinVar aggregate classification (germline): Uncertain significance (1 of 4 stars; one submission).

Conditions:
Inborn genetic diseases. Identifiers: MedGen C0950123, MeSH D030342.

Submission:

Ambry Genetics
Classification: Uncertain significance for Inborn genetic diseases. Last evaluated: 2023-02-10. Review status: criteria provided, single submitter. Criteria: Ambry Variant Classification Scheme 2023. Collection method: clinical testing. Allele origin: germline.
Comment: The p.D60A variant (also known as c.179A>C), located in coding exon 3 of the ATR gene, results from an A to C substitution at nucleotide position 179. The aspartic acid at codon 60 is replaced by alanine, an amino acid with dissimilar properties. This amino acid position is conserved. In addition, this alteration is predicted to be tolerated by in silico analysis. Since supporting evidence is limited at this time, the clinical significance of this alteration remains unclear.